The following is an entry in ClinVar:

ClinVar aggregate classification (germline): Uncertain significance. Review status: criteria provided, multiple submitters, no conflicts (2 of 4 stars). 3 submissions from 3 submitters: Uncertain significance (3). Last evaluated 2024-10-13.

Conditions:
Inborn genetic diseases. Identifiers: MedGen C0950123, MeSH D030342.
Leukocyte adhesion deficiency type II. Also called: CONGENITAL DISORDER OF GLYCOSYLATION, TYPE IIc; CDG IIc; Congenital disorder of glycosylation type 2C; CDG 2C; Leukocyte adhesion deficiency type 2; Rambam Hasharon syndrome. Identifiers: Orphanet 2968, Orphanet 99843, MedGen C0398739, MONDO:0009953, OMIM 266265.

Allele frequency attached by ClinVar (database versions not stated): gnomAD exomes below 0.00001; ExAC 0.00001; gnomAD 0.00001; TOPMed 0.00002.

Submissions (3):

Genomic Medicine Center of Excellence, King Faisal Specialist Hospital and Research Centre
Classification: Uncertain significance for Leukocyte adhesion deficiency type II. Last evaluated: 2024-10-13. Review status: criteria provided, single submitter. Criteria: ACMG Guidelines, 2015. Collection method: clinical testing. Allele origin: germline.
Comment: This variant (GRCh38; NM_001145266.1:c.112A>G:p.Thr38Ala) results in a missense mutation with the conversion of Threonine (Polar amino acid) to Alanine (Nonpolar amino acid) in the SLC35C1 protein. To our knowledge, no experimental evidence demonstrating an impact on protein function has been reported. There is insufficient data to determine whether the variant is benign or pathogenic. Based on insufficient or conflicting evidence, the clinical significance of this alteration remains unclear. ClinVar contains an entry for this variant (Variation ID:304737) A literature search was performed for the gene and associated variants. Based on this search no publications were found. This variant is therefore classified as variant of unknown clinical significance.

Ambry Genetics
Classification: Uncertain significance for Inborn genetic diseases. Last evaluated: 2021-09-01. Review status: criteria provided, single submitter. Criteria: Ambry Variant Classification Scheme 2023. Collection method: clinical testing. Allele origin: germline.

Illumina Laboratory Services, Illumina
Classification: Uncertain significance for Leukocyte adhesion deficiency type II. Last evaluated: 2018-01-13. Review status: criteria provided, single submitter. Criteria: ICSL Variant Classification Criteria 13 December 2019. Collection method: clinical testing. Allele origin: germline.

NM_018389.5(SLC35C1):c.151A>G (p.Thr51Ala)

Gene: SLC35C1 (solute carrier family 35 member C1; plus strand). Cytogenetic location: 11p11.2.
Variant type: single nucleotide variant.
Coding change: c.151A>G on transcript NM_018389.5 (MANE Select); coding-DNA position 151, A replaced by G.
Protein change: p.Thr51Ala; replaces threonine 51 with alanine.
Molecular consequence: missense variant.
Genome position (GRCh38, 1-based): chr11:45,805,952, A>G. VCF-style: chr11-45805952-A-G. GRCh37 (hg19) VCF-style: chr11-45827503-A-G.
Other names: c.112A>G, p.Thr38Ala (NM_001145265.2, NM_001145266.2); short protein forms T51A, T38A.
Identifiers: ClinVar variation 304737 (VCV000304737.8), dbSNP rs769916550, ClinGen allele CA5958193.